The following is an entry in ClinVar:

ClinVar aggregate classification (germline): Conflicting classifications of pathogenicity. Review status: criteria provided, conflicting classifications (1 of 4 stars). 4 submissions from 4 submitters: Uncertain significance (3); Likely benign (1). Last evaluated 2025-11-18.

Conditions:
Autosomal recessive osteopetrosis 1. Also called: TCIRG1-Related Osteopetrosis; ALBERS-SCHONBERG DISEASE, AUTOSOMAL RECESSIVE; TCIRG1-Related Autosomal Recessive Osteopetrosis. Identifiers: Orphanet 667, MedGen C1850127, MONDO:0009815, OMIM 259700.

Allele frequency attached by ClinVar (database versions not stated): gnomAD 0.00006; ESP Exome Variant Server 0.00008.
gnomAD v4.1: 14 of 1,577,070 alleles (0.00089%); highest among the groups gnomAD compares: African/African-American, 0.0067%; no homozygotes.

Submissions (5):

Labcorp Genetics (formerly Invitae), Labcorp
Classification: Uncertain significance. Last evaluated: 2025-11-18. Review status: criteria provided, single submitter. Criteria: Invitae Variant Classification Sherloc (09022015). Collection method: clinical testing. Allele origin: germline.
Comment: This sequence change affects codon 340 of the TCIRG1 mRNA. It is a 'silent' change, meaning that it does not change the encoded amino acid sequence of the TCIRG1 protein. This variant also falls at the last nucleotide of exon 9, which is part of the consensus splice site for this exon. The frequency data for this variant in the population databases is considered unreliable, as metrics indicate poor data quality at this position in the gnomAD database. This variant has not been reported in the literature in individuals affected with TCIRG1-related conditions. ClinVar contains an entry for this variant (Variation ID: 305795). Variants that disrupt the consensus splice site are a relatively common cause of aberrant splicing (PMID: 17576681, 9536098). Algorithms developed to predict the effect of sequence changes on RNA splicing suggest that this variant may disrupt the consensus splice site. In summary, the available evidence is currently insufficient to determine the role of this variant in disease. Therefore, it has been classified as a Variant of Uncertain Significance.

CeGaT Center for Human Genetics Tuebingen
Classification: Likely benign. Last evaluated: 2025-02-01. Review status: criteria provided, single submitter. Criteria: CeGaT Center For Human Genetics Tuebingen Variant Classification Criteria Version 2. Collection method: clinical testing. Allele origin: germline. Affected: yes. Observed: 1 variant allele.
Comment: TCIRG1: BP4, BP7

Fulgent Genetics
Classification: Uncertain significance for Autosomal recessive osteopetrosis 1. Last evaluated: 2022-03-31. Review status: criteria provided, single submitter. Criteria: ACMG Guidelines, 2015. Collection method: clinical testing. Allele origin: unknown.

Illumina Laboratory Services, Illumina
Classification: Uncertain significance for Autosomal recessive osteopetrosis 1. Last evaluated: 2018-01-13. Review status: criteria provided, single submitter. Criteria: ICSL Variant Classification Criteria 13 December 2019. Collection method: clinical testing. Allele origin: germline.

Dr. Peter K. Rogan Lab, Western University
No classification provided (evidence only). Condition: Papillary renal cell carcinoma type 1. Review status: no classification provided. Collection method: in vitro. Allele origin: not applicable. Functional consequence: skipped exon, retained intron. Not counted in ClinVar's aggregate classification.

Literature cited by the submitters: PubMed 17576681 (cited by Labcorp Genetics (formerly Invitae), Labcorp); PubMed 9536098 (cited by Labcorp Genetics (formerly Invitae), Labcorp).

NM_006019.4(TCIRG1):c.1020G>A (p.Ser340=)

Gene: TCIRG1 (T cell immune regulator 1, ATPase H+ transporting V0 subunit a3; plus strand). Cytogenetic location: 11q13.2.
Variant type: single nucleotide variant.
Coding change: c.1020G>A on transcript NM_006019.4 (MANE Select); coding-DNA position 1020, G replaced by A.
Protein change: p.Ser340=; no amino-acid change (serine 340 retained).
Molecular consequence: synonymous variant.
Genome position (GRCh38, 1-based): chr11:68,044,344, G>A. VCF-style: chr11-68044344-G-A. GRCh37 (hg19) VCF-style: chr11-67811811-G-A.
Other names: c.126G>A, p.Ser42= (NM_001351059.2); c.372G>A, p.Ser124= (NM_006053.4).
Identifiers: ClinVar variation 305795 (VCV000305795.24), dbSNP rs144158792, ClinGen allele CA6146870.